The following is an entry in ClinVar:

ClinVar aggregate classification (germline): Uncertain significance (1 of 4 stars; one submission).

Allele frequency attached by ClinVar (database versions not stated): TOPMed below 0.00001; gnomAD exomes below 0.00001.
gnomAD v4.1: 4 of 1,613,822 alleles (0.00025%); highest among the groups gnomAD compares: Non-Finnish European, 0.00034%; no homozygotes.

Submission:

Labcorp Genetics (formerly Invitae), Labcorp
Classification: Uncertain significance. Last evaluated: 2025-04-14. Review status: criteria provided, single submitter. Criteria: Invitae Variant Classification Sherloc (09022015). Collection method: clinical testing. Allele origin: germline.
Comment: This sequence change replaces valine, which is neutral and non-polar, with alanine, which is neutral and non-polar, at codon 233 of the HNF1A protein (p.Val233Ala). This variant is not present in population databases (gnomAD no frequency). This variant has not been reported in the literature in individuals affected with HNF1A-related conditions. ClinVar contains an entry for this variant (Variation ID: 2964498). Invitae Evidence Modeling of protein sequence and biophysical properties (such as structural, functional, and spatial information, amino acid conservation, physicochemical variation, residue mobility, and thermodynamic stability) indicates that this missense variant is not expected to disrupt HNF1A protein function with a negative predictive value of 80%. This variant disrupts the p.Val233 amino acid residue in HNF1A. Other variant(s) that disrupt this residue have been determined to be pathogenic (PMID: 12488961, 27229139, 28993341). This suggests that this residue is clinically significant, and that variants that disrupt this residue are likely to be disease-causing. In summary, the available evidence is currently insufficient to determine the role of this variant in disease. Therefore, it has been classified as a Variant of Uncertain Significance.

Literature cited by the submitters: PubMed 12488961; PubMed 27229139; PubMed 28993341.

NM_000545.8(HNF1A):c.698T>C (p.Val233Ala)

Gene: HNF1A (HNF1 homeobox A; plus strand). Cytogenetic location: 12q24.31.
Variant type: single nucleotide variant.
Coding change: c.698T>C on transcript NM_000545.8 (MANE Select); coding-DNA position 698, T replaced by C.
Protein change: p.Val233Ala; replaces valine 233 with alanine.
Molecular consequence: missense variant.
Genome position (GRCh38, 1-based): chr12:120,993,691, T>C. VCF-style: chr12-120993691-T-C. GRCh37 (hg19) VCF-style: chr12-121431494-T-C.
Other names: c.698T>C, p.Val233Ala (NM_001306179.2, NM_001406915.1); short protein forms V233A.
Identifiers: ClinVar variation 2964498 (VCV002964498.3), dbSNP rs1876938904, ClinGen allele CA386965316.